The following is an entry in ClinVar:

ClinVar aggregate classification (germline): Uncertain significance. Review status: criteria provided, multiple submitters, no conflicts (2 of 4 stars). 3 submissions from 3 submitters: Uncertain significance (3). Last evaluated 2022-08-09.

Conditions:
Inborn genetic diseases. Identifiers: MedGen C0950123, MeSH D030342.
Cerebellar ataxia, impaired intellectual development, and dysequilibrium syndrome 1. Also called: Cerebellar ataxia, intellectual disability, and dysequilibrium syndrome 1; Cerebellar ataxia, mental retardation, and dysequilibrium syndrome 1; VLDLR Cerebellar Hypoplasia; Cerebellar hypoplasia and mental retardation with or without quadrupedal locomotion 1; CEREBELLAR ATAXIA AND MENTAL RETARDATION WITH OR WITHOUT QUADRUPEDAL LOCOMOTION 1; CEREBELLAR ATAXIA, CONGENITAL, AND MENTAL RETARDATION, AUTOSOMAL RECESSIVE. Identifiers: Orphanet 1766, MedGen C4551552, MONDO:0024542, OMIM 224050.

Allele frequency attached by ClinVar (database versions not stated): ESP Exome Variant Server 0.00008; gnomAD exomes 0.00009; TOPMed 0.00006; gnomAD 0.00012.
gnomAD v4.1: 158 of 1,614,042 alleles (0.0098%); highest among the groups gnomAD compares: Admixed American, 0.037%; no homozygotes.

Submissions (3):

Labcorp Genetics (formerly Invitae), Labcorp
Classification: Uncertain significance. Last evaluated: 2022-08-09. Review status: criteria provided, single submitter. Criteria: Invitae Variant Classification Sherloc (09022015). Collection method: clinical testing. Allele origin: germline.
Comment: This sequence change replaces alanine, which is neutral and non-polar, with threonine, which is neutral and polar, at codon 799 of the VLDLR protein (p.Ala799Thr). This variant is present in population databases (rs183359461, gnomAD 0.03%). This variant has not been reported in the literature in individuals affected with VLDLR-related conditions. ClinVar contains an entry for this variant (Variation ID: 913701). Algorithms developed to predict the effect of missense changes on protein structure and function are either unavailable or do not agree on the potential impact of this missense change (SIFT: "Not Available"; PolyPhen-2: "Benign"; Align-GVGD: "Not Available"). In summary, the available evidence is currently insufficient to determine the role of this variant in disease. Therefore, it has been classified as a Variant of Uncertain Significance.

Ambry Genetics
Classification: Uncertain significance for Inborn genetic diseases. Last evaluated: 2021-09-15. Review status: criteria provided, single submitter. Criteria: Ambry Variant Classification Scheme 2023. Collection method: clinical testing. Allele origin: germline.

Illumina Laboratory Services, Illumina
Classification: Uncertain significance for Cerebellar ataxia, impaired intellectual development, and dysequilibrium syndrome 1. Last evaluated: 2018-01-12. Review status: criteria provided, single submitter. Criteria: ICSL Variant Classification Criteria 13 December 2019. Collection method: clinical testing. Allele origin: germline.

NM_003383.5(VLDLR):c.2395G>A (p.Ala799Thr)

Gene: VLDLR (very low density lipoprotein receptor; plus strand). Cytogenetic location: 9p24.2.
Variant type: single nucleotide variant.
Coding change: c.2395G>A on transcript NM_003383.5 (MANE Select); coding-DNA position 2395, G replaced by A.
Protein change: p.Ala799Thr; replaces alanine 799 with threonine.
Molecular consequence: missense variant.
Genome position (GRCh38, 1-based): chr9:2,651,933, G>A. VCF-style: chr9-2651933-G-A. GRCh37 (hg19) VCF-style: chr9-2651933-G-A.
Other names: c.2311G>A, p.Ala771Thr (NM_001018056.3); c.2272G>A, p.Ala758Thr (NM_001322225.2); c.2188G>A, p.Ala730Thr (NM_001322226.2); short protein forms A730T, A758T, A799T, A771T.
Identifiers: ClinVar variation 913701 (VCV000913701.6), dbSNP rs183359461, ClinGen allele CA4965182.